The following is an entry in ClinVar:

NM_000095.3(COMP):c.2047C>G (p.Arg683Gly)

Gene: COMP (cartilage oligomeric matrix protein; minus strand). Cytogenetic location: 19p13.11.
Variant type: single nucleotide variant.
Coding change: c.2047C>G on transcript NM_000095.3 (MANE Select); coding-DNA position 2047, C replaced by G.
Protein change: p.Arg683Gly; replaces arginine 683 with glycine.
Molecular consequence: missense variant.
Genome position (GRCh38, 1-based): chr19:18,784,231, G>C on the plus strand (C>G on the coding strand, the complement: COMP is on the minus strand). VCF-style: chr19-18784231-G-C. GRCh37 (hg19) VCF-style: chr19-18895041-G-C.
Other names: short protein forms R683G.
Identifiers: ClinVar variation 3004929 (VCV003004929.3), dbSNP rs2055148198, ClinGen allele CA404876498.
Genomic context (GRCh38, chr19:18,784,231, plus strand): 5'-ACAGAGGGTGGAGTCCCCACCTGATGTAGCCCACTTGGGGCCGGTGCTGCAGGAACCAAC[G>C]ATAGGACTTCTTGTCCTTCCAACCCACGTTTCGCGGGTCCTTCCACAGCAGCCGCACCTG-3'
Protein context (NP_000086.2, residues 673-693): NVGWKDKKSY[Arg683Gly]WFLQHRPQVG

ClinVar aggregate classification (germline): Uncertain significance (1 of 4 stars; one submission).

gnomAD v4.1: 4 of 1,614,030 alleles (0.00025%); highest among the groups gnomAD compares: Non-Finnish European, 0.00034%; no homozygotes.

Submission:

Labcorp Genetics (formerly Invitae), Labcorp
Classification: Uncertain significance. Last evaluated: 2024-01-15. Review status: criteria provided, single submitter. Criteria: Invitae Variant Classification Sherloc (09022015). Collection method: clinical testing. Allele origin: germline.
Comment: This sequence change replaces arginine, which is basic and polar, with glycine, which is neutral and non-polar, at codon 683 of the COMP protein (p.Arg683Gly). This variant is not present in population databases (gnomAD no frequency). This variant has not been reported in the literature in individuals affected with COMP-related conditions. Advanced modeling of protein sequence and biophysical properties (such as structural, functional, and spatial information, amino acid conservation, physicochemical variation, residue mobility, and thermodynamic stability) has been performed at Invitae for this missense variant, however the output from this modeling did not meet the statistical confidence thresholds required to predict the impact of this variant on COMP protein function. In summary, the available evidence is currently insufficient to determine the role of this variant in disease. Therefore, it has been classified as a Variant of Uncertain Significance.